The following is an entry in ClinVar:

NM_001376571.1(MADD):c.2255A>G (p.Asp752Gly)

Gene: MADD (MAP kinase activating death domain; plus strand). Cytogenetic location: 11p11.2.
Variant type: single nucleotide variant.
Coding change: c.2255A>G on transcript NM_001376571.1 (MANE Select); coding-DNA position 2255, A replaced by G.
Protein change: p.Asp752Gly; replaces aspartic acid 752 with glycine.
Molecular consequence: missense variant. On other transcripts: non-coding transcript variant (8).
Genome position (GRCh38, 1-based): chr11:47,285,038, A>G. VCF-style: chr11-47285038-A-G. GRCh37 (hg19) VCF-style: chr11-47306589-A-G.
Other names: c.2255A>G, p.Asp752Gly (NM_001376614.1, NM_001376615.1, NM_001376616.1 and 79 more transcripts); c.2051A>G, p.Asp684Gly (NM_001376620.1, NM_001376626.1, NM_001376627.1 and 9 more transcripts); c.1589A>G, p.Asp530Gly (NM_001376663.1); c.2231A>G, p.Asp744Gly (NM_001376602.1); short protein forms D530G, D684G, D744G, D752G.
Identifiers: ClinVar variation 3367632 (VCV003367632.2).

ClinVar aggregate classification (germline): Uncertain significance. Review status: criteria provided, multiple submitters, no conflicts (2 of 4 stars). 2 submissions from 2 submitters: Uncertain significance (2). Last evaluated 2025-04-25.

Conditions:
Inborn genetic diseases. Identifiers: MedGen C0950123, MeSH D030342.

gnomAD v4.1: 34 of 1,614,130 alleles (0.0021%); highest among the groups gnomAD compares: South Asian, 0.036%; no homozygotes.

Submissions (2):

Ambry Genetics
Classification: Uncertain significance for Inborn genetic diseases. Last evaluated: 2025-04-25. Review status: criteria provided, single submitter. Criteria: Ambry Variant Classification Scheme 2023. Collection method: clinical testing. Allele origin: germline.

GeneDx
Classification: Uncertain significance. Last evaluated: 2024-01-09. Review status: criteria provided, single submitter. Criteria: GeneDx Variant Classification Process June 2021. Collection method: clinical testing. Allele origin: germline. Affected: yes.
Comment: In silico analysis supports that this missense variant does not alter protein structure/function; Has not been previously published as pathogenic or benign to our knowledge